The following is an entry in ClinVar:

NM_001267550.2(TTN):c.40633+5G>A

Gene: TTN (titin; minus strand). Cytogenetic location: 2q31.2.
Variant type: single nucleotide variant.
Coding change: c.40633+5G>A on transcript NM_001267550.2 (MANE Select); 5 bases into the intron after coding-DNA position 40633, G replaced by A.
Molecular consequence: intron variant.
Genome position (GRCh38, 1-based): chr2:178,641,236, C>T on the plus strand (G>A on the coding strand, the complement: TTN is on the minus strand). VCF-style: chr2-178641236-C-T. GRCh37 (hg19) VCF-style: chr2-179505963-C-T.
Other names: c.13438+5G>A (NM_003319.4); c.14014+5G>A (NM_133437.4); c.13813+5G>A (NM_133432.3); c.32929+5G>A (NM_133378.4); c.35710+5G>A (NM_001256850.1).
Identifiers: ClinVar variation 1364636 (VCV001364636.6), dbSNP rs2061194221, ClinGen allele CA1310560324.
Genomic context (GRCh38, chr2:178,641,236, plus strand): 5'-AAACCTTTTGTTAAATGTCCATTTTGTTAAAAGATAATCTTACAAATTGTCACTGAGATT[C>T]CTACCTGCAGGTTTTTTAACTTTTTCTAGTTTTTTAGGTTCTACTTTAGGTTCTTCTTCT-3'

ClinVar aggregate classification (germline): Uncertain significance (1 of 4 stars; one submission).

Conditions:
Dilated cardiomyopathy 1G (CMD1G). Identifiers: Orphanet 154, MedGen C1858763, MONDO:0011400, OMIM 604145.
Autosomal recessive limb-girdle muscular dystrophy type 2J (LGMDR10). Also called: Limb-girdle muscular dystrophy, type 2J; MUSCULAR DYSTROPHY, LIMB-GIRDLE, AUTOSOMAL RECESSIVE 10. Identifiers: Orphanet 140922, MedGen C1837342, MONDO:0012127, OMIM 608807.

gnomAD v4.1: 2 of 1,499,944 alleles (0.00013%); highest among the groups gnomAD compares: Non-Finnish European, 0.00018%; no homozygotes.

Submission:

Labcorp Genetics (formerly Invitae), Labcorp
Classification: Uncertain significance for Dilated cardiomyopathy 1G; Autosomal recessive limb-girdle muscular dystrophy type 2J. Last evaluated: 2021-07-06. Review status: criteria provided, single submitter. Criteria: Invitae Variant Classification Sherloc (09022015). Collection method: clinical testing. Allele origin: germline.
Comment: This sequence change falls in intron 220 of the TTN gene. It does not directly change the encoded amino acid sequence of the TTN protein. It affects a nucleotide within the consensus splice site of the intron. This variant is not present in population databases (ExAC no frequency). This variant has not been reported in the literature in individuals affected with TTN-related conditions. Nucleotide substitutions within the consensus splice site are a relatively common cause of aberrant splicing (PMID: 17576681, 9536098). Algorithms developed to predict the effect of sequence changes on RNA splicing suggest that this variant may disrupt the consensus splice site. In summary, the available evidence is currently insufficient to determine the role of this variant in disease. Therefore, it has been classified as a Variant of Uncertain Significance. This variant is located in the I band of TTN (PMID: 25589632). Variants in this region may be clinically relevant, but have not been definitively shown to cause cardiomyopathy or neuromuscular disease (PMID: 27493940, 32778822).

Literature cited by the submitters: PubMed 17576681; PubMed 9536098; PubMed 25589632; PubMed 27493940; PubMed 32778822.